The following is an entry in ClinVar:

ClinVar aggregate classification (germline): Uncertain significance (0 of 4 stars; one submission).

Conditions:
SERPINA1-related disorder. Also called: SerpinA1-related disorders; SERPINA1-related condition.

Submission:

PreventionGenetics, part of Exact Sciences
Classification: Uncertain significance for SERPINA1-related condition. Last evaluated: 2024-07-16. Review status: no assertion criteria provided. Collection method: clinical testing. Allele origin: germline.
Comment: The SERPINA1 c.41G>A variant is predicted to result in the amino acid substitution p.Gly14Asp. To our knowledge, this variant has not been reported in the literature or in a large population database, indicating this variant is rare. At this time, the clinical significance of this variant is uncertain due to the absence of conclusive functional and genetic evidence.

NM_000295.5(SERPINA1):c.41G>A (p.Gly14Asp)

Gene: SERPINA1 (serpin family A member 1; minus strand). Cytogenetic location: 14q32.13.
Variant type: single nucleotide variant.
Coding change: c.41G>A on transcript NM_000295.5 (MANE Select); coding-DNA position 41, G replaced by A.
Protein change: p.Gly14Asp; replaces glycine 14 with aspartic acid.
Molecular consequence: missense variant.
Genome position (GRCh38, 1-based): chr14:94,383,197, C>T on the plus strand (G>A on the coding strand, the complement: SERPINA1 is on the minus strand). VCF-style: chr14-94383197-C-T. GRCh37 (hg19) VCF-style: chr14-94849534-C-T.
Other names: c.41G>A, p.Gly14Asp (NM_001002235.3, NM_001002236.3, NM_001127700.2 and 7 more transcripts); short protein forms G14D.
Identifiers: ClinVar variation 3346375 (VCV003346375.1).